The following is an entry in ClinVar:

ClinVar aggregate classification (germline): Conflicting classifications of pathogenicity. Review status: criteria provided, conflicting classifications (1 of 4 stars). 2 submissions from 2 submitters: Pathogenic (1); Uncertain significance (1). Last evaluated 2026-02-05.

Conditions:
Hereditary cancer-predisposing syndrome. Also called: Hereditary Cancer Syndrome; Tumor predisposition; Neoplastic Syndromes, Hereditary; Hereditary neoplastic syndrome. Identifiers: Orphanet 140162, MedGen C0027672, MeSH D009386, MONDO:0015356.

Submissions (2):

Ambry Genetics
Classification: Uncertain significance for Hereditary cancer-predisposing syndrome. Last evaluated: 2026-02-05. Review status: criteria provided, single submitter. Criteria: Ambry Variant Classification Scheme 2023. Collection method: clinical testing. Allele origin: germline.
Comment: The c.5090dupA variant, located in coding exon 38 of the POLE gene, results from a duplication of A at nucleotide position 5090, causing a translational frameshift with a predicted alternate stop codon (p.E1698Gfs*3). This alteration is expected to result in loss of function by premature protein truncation or nonsense-mediated mRNA decay. Although biallelic loss of function of POLE has been associated with autosomal recessive POLE deficiency, haploinsufficiency of POLE has not been established as a mechanism of disease for POLE-related polymerase proofreading-associated polyposis (PPAP) and POLE-related CMMRD-like syndrome. Based on the supporting evidence, this variant is expected to be causative of POLE deficiency when present along with a second pathogenic variant on the other allele; however, its clinical significance for PPAP and POLE-related CMMRD-like syndrome is unclear.

Labcorp Genetics (formerly Invitae), Labcorp
Classification: Pathogenic. Last evaluated: 2022-05-12. Review status: criteria provided, single submitter. Criteria: Invitae Variant Classification Sherloc (09022015). Collection method: clinical testing. Allele origin: germline.
Comment: This sequence change creates a premature translational stop signal (p.Glu1698Glyfs*3) in the POLE gene. It is expected to result in an absent or disrupted protein product. Loss-of-function variants in POLE are known to be pathogenic (PMID: 23230001, 25948378, 30503519). For these reasons, this variant has been classified as Pathogenic. ClinVar contains an entry for this variant (Variation ID: 825431). This variant has not been reported in the literature in individuals affected with POLE-related conditions. This variant is not present in population databases (gnomAD no frequency).

Literature cited by the submitters: PubMed 23230001 (cited by Labcorp Genetics (formerly Invitae), Labcorp); PubMed 25948378 (cited by Labcorp Genetics (formerly Invitae), Labcorp); PubMed 30503519 (cited by Labcorp Genetics (formerly Invitae), Labcorp).

NM_006231.4(POLE):c.5090dup (p.Glu1698fs)

Gene: POLE (DNA polymerase epsilon, catalytic subunit; minus strand). Cytogenetic location: 12q24.33.
Variant type: Duplication.
Coding change: c.5090dup on transcript NM_006231.4 (MANE Select); coding-DNA position 5090, one base duplicated (A; older notation c.5090dupA).
Protein change: p.Glu1698fs; shifts the reading frame from glutamic acid 1698.
Molecular consequence: frameshift variant.
Genome position (GRCh38, 1-based): chr12:132,642,260, T duplicated on the plus strand (A on the coding strand, the reverse complement: POLE is on the minus strand); the first of 3 consecutive T bases (chr12:132,642,260-132,642,262); duplicating any one gives the same sequence. VCF-style (leftmost placement, unchanged base first): chr12-132642259-C-CT. GRCh37 (hg19) VCF-style: chr12-133218845-C-CT.
Other names: short protein forms E1698fs.
Identifiers: ClinVar variation 825431 (VCV000825431.13), dbSNP rs1593729546, ClinGen allele CA915946813.